The following is an entry in ClinVar:

ClinVar aggregate classification (germline): Uncertain significance. Review status: criteria provided, multiple submitters, no conflicts (2 of 4 stars). 5 submissions from 5 submitters: Uncertain significance (5). Last evaluated 2025-10-02.

Conditions:
RYR1-related disorder. Also called: RYR1-related condition; RYR1-related disorders. Identifiers: MedGen CN239331.
Malignant hyperthermia, susceptibility to, 1 (MHS1). Also called: Pharmacogenic myopathy; Malignant hyperthermia suceptibility 1; Anesthesia related hyperthermia; Malignant hyperpyrexia; Fulminating hyperpyrexia; RYR1-Related Malignant Hyperthermia Susceptibility. Identifiers: Orphanet 423, MedGen C2930980, MONDO:0007783, OMIM 145600.
Mildly elevated creatine kinase. Also called: Mildly elevated creatine phosphokinase. Identifiers: MedGen C1850309, HP:0008180.
Osteoporosis. Identifiers: MedGen C0029456, MONDO:0005298, OMIM 166710, HP:0000939.
Limb pain. Identifiers: MedGen C0030196, HP:0009763.
Myotonia. Identifiers: MedGen C0700153, HP:0002486.

Allele frequency attached by ClinVar (database versions not stated): gnomAD exomes below 0.00001; gnomAD 0.00001; TOPMed 0.00002.
gnomAD v4.1: 3 of 1,614,104 alleles (0.00019%); highest among the groups gnomAD compares: Non-Finnish European, 0.00025%; no homozygotes.

Submissions (5):

Labcorp Genetics (formerly Invitae), Labcorp
Classification: Uncertain significance for RYR1-related disorder. Last evaluated: 2025-10-02. Review status: criteria provided, single submitter. Criteria: Invitae Variant Classification Sherloc (09022015). Collection method: clinical testing. Allele origin: germline.
Comment: This sequence change replaces cysteine, which is neutral and slightly polar, with arginine, which is basic and polar, at codon 1068 of the RYR1 protein (p.Cys1068Arg). This variant is not present in population databases (gnomAD no frequency). This variant has not been reported in the literature in individuals affected with RYR1-related conditions. ClinVar contains an entry for this variant (Variation ID: 373917). Invitae Evidence Modeling of protein sequence and biophysical properties (such as structural, functional, and spatial information, amino acid conservation, physicochemical variation, residue mobility, and thermodynamic stability) indicates that this missense variant is not expected to disrupt RYR1 protein function with a negative predictive value of 95%. In summary, the available evidence is currently insufficient to determine the role of this variant in disease. Therefore, it has been classified as a Variant of Uncertain Significance.

Revvity Omics, Revvity
Classification: Uncertain significance. Last evaluated: 2024-06-25. Review status: criteria provided, single submitter. Criteria: ACMG Guidelines, 2015. Collection method: clinical testing. Allele origin: germline.

All of Us Research Program, National Institutes of Health
Classification: Uncertain significance for Malignant hyperthermia, susceptibility to, 1. Last evaluated: 2024-02-05. Review status: criteria provided, single submitter. Criteria: ACMG Guidelines, 2015. Collection method: clinical testing. Allele origin: germline. Inheritance: Autosomal dominant inheritance. Observed: 2 variant alleles, 2 heterozygotes.
Comment: This missense variant replaces cysteine with arginine at codon 1068 of the RYR1 protein. Computational prediction suggests that this variant may not impact protein structure and function (internally defined REVEL score threshold <= 0.5, PMID: 27666373). To our knowledge, functional studies have not been reported for this variant. This variant has not been reported in individuals affected with RYR1-related disorders in the literature. This variant has not been identified in the general population by the Genome Aggregation Database (gnomAD). The available evidence is insufficient to determine the role of this variant in disease conclusively. Therefore, this variant is classified as a Variant of Uncertain Significance.

This study involves interpretation of variants in research participants for the purpose of population health screening. Participant phenotype was not available at the time of variant classification. Additional details can be found in publication PMID: 35346344, PMCID: PMC8962531

Color Diagnostics, LLC DBA Color Health
Classification: Uncertain significance for Malignant hyperthermia, susceptibility to, 1. Last evaluated: 2024-01-29. Review status: criteria provided, single submitter. Criteria: ACMG Guidelines, 2015. Collection method: clinical testing. Allele origin: germline.
Comment: This missense variant replaces cysteine with arginine at codon 1068 of the RYR1 protein. Computational prediction suggests that this variant may not impact protein structure and function. To our knowledge, functional studies have not been reported for this variant. This variant has not been reported in individuals affected with RYR1-related disorders in the literature. This variant has not been identified in the general population by the Genome Aggregation Database (gnomAD). The available evidence is insufficient to determine the role of this variant in disease conclusively. Therefore, this variant is classified as a Variant of Uncertain Significance.

Centre for Mendelian Genomics, University Medical Centre Ljubljana
Classification: Uncertain significance for Limb pain; Mildly elevated creatine kinase; Myotonia; Osteoporosis. Last evaluated: 2017-01-01. Review status: criteria provided, single submitter. Criteria: ACMG Guidelines, 2015. Collection method: clinical testing. Allele origin: unknown. Affected: yes.

NM_000540.3(RYR1):c.3202T>C (p.Cys1068Arg)

Gene: RYR1 (ryanodine receptor 1; plus strand). Cytogenetic location: 19q13.2.
Variant type: single nucleotide variant.
Coding change: c.3202T>C on transcript NM_000540.3 (MANE Select); coding-DNA position 3202, T replaced by C.
Protein change: p.Cys1068Arg; replaces cysteine 1068 with arginine.
Molecular consequence: missense variant.
Genome position (GRCh38, 1-based): chr19:38,467,633, T>C. VCF-style: chr19-38467633-T-C. GRCh37 (hg19) VCF-style: chr19-38958273-T-C.
Other names: c.3202T>C, p.Cys1068Arg (NM_001042723.2); short protein forms C1068R.
Identifiers: ClinVar variation 373917 (VCV000373917.30), dbSNP rs1057518768, ClinGen allele CA16043554.
Genomic context (GRCh38, chr19:38,467,633, plus strand): 5'-CCCTAGCCTCTCTGACTCTGCCTGGCCTCATTTATAGGTCAGGTGGAGAACCAGTCTCGT[T>C]GTGACCGGGTGCGCATCTTCCGGGCAGAGAAATCCTATACAGTGCAGAGCGGCCGCTGGT-3'
Protein context (NP_000531.2, residues 1058-1078): EPSQVENQSR[Cys1068Arg]DRVRIFRAEK